The following is an entry in ClinVar:

ClinVar aggregate classification (germline): Likely pathogenic (1 of 4 stars; one submission).

Conditions:
Radio-Tartaglia syndrome. Identifiers: Orphanet 662234, MedGen C5543339, MONDO:0859143, OMIM 619312.

Submission:

Variantyx, Inc.
Classification: Likely pathogenic for Radio-Tartaglia syndrome. Last evaluated: 2025-03-03. Review status: criteria provided, single submitter. Criteria: Variantyx Assertion Criteria 2022. Collection method: clinical testing. Allele origin: germline. Inheritance: Autosomal dominant inheritance. Affected: yes.
Comment: This is a frameshift variant in the SPEN gene (OMIM: 613484). Pathogenic variants in this gene have been associated with autosomal dominant Radio Tartaglia syndrome. This variant introduces a premature termination codon in exon 11 out of 15. It is expected to result in loss of function, which is a known disease mechanism for SPEN in this disorder (PMID: 33596411) (PVS1). This variant is absent from control populations (PM2). This variant has not been reported in individuals with SPEN-related disorders in the databases available for review. Based on the current evidence, this variant is classified as likely pathogenic for autosomal dominant Radio Tartaglia syndrome.

Literature cited by the submitters: PubMed 33596411.

NM_015001.3(SPEN):c.4925dup (p.Thr1643fs)

Gene: SPEN (spen family transcriptional repressor; plus strand). Cytogenetic location: 1p36.13.
Variant type: Duplication.
Coding change: c.4925dup on transcript NM_015001.3 (MANE Select); coding-DNA position 4925, one base duplicated (T; older notation c.4925dupT).
Protein change: p.Thr1643fs; shifts the reading frame from threonine 1643.
Molecular consequence: frameshift variant.
Genome position (GRCh38, 1-based): chr1:15,931,165, T duplicated. VCF-style (leftmost placement, unchanged base first): chr1-15931164-G-GT. GRCh37 (hg19) VCF-style: chr1-16257659-G-GT.
Other names: short protein forms T1643fs.
Identifiers: ClinVar variation 4813055 (VCV004813055.1).